The following is an entry in ClinVar:

NM_002693.3(POLG):c.595G>T (p.Val199Leu)

Genes: POLG (DNA polymerase gamma, catalytic subunit; minus strand), POLGARF (POLG alternative reading frame; minus strand). Cytogenetic location: 15q26.1.
Variant type: single nucleotide variant.
Coding change: c.595G>T on transcript NM_002693.3 (MANE Select); coding-DNA position 595, G replaced by T.
Protein change: p.Val199Leu; replaces valine 199 with leucine.
Molecular consequence: missense variant.
Genome position (GRCh38, 1-based): chr15:89,333,160, C>A on the plus strand (G>T on the coding strand, the complement: POLG is on the minus strand). VCF-style: chr15-89333160-C-A. GRCh37 (hg19) VCF-style: chr15-89876391-C-A.
Other names: c.595G>T, p.Val199Leu (NM_001126131.2); short protein forms V199L.
Identifiers: ClinVar variation 2856894 (VCV002856894.3), dbSNP rs780610267, ClinGen allele CA7725090.

ClinVar aggregate classification (germline): Uncertain significance (1 of 4 stars; one submission).

Conditions:
Progressive sclerosing poliodystrophy (MTDPS4A). Also called: Mitochondrial DNA depletion syndrome 4A (Alpers type); ALPERS PROGRESSIVE INFANTILE POLIODYSTROPHY; NEURONAL DEGENERATION OF CHILDHOOD WITH LIVER DISEASE, PROGRESSIVE; Alpers Syndrome; ALPERS DIFFUSE DEGENERATION OF CEREBRAL GRAY MATTER WITH HEPATIC CIRRHOSIS; Alpers-Huttenlocher Syndrome. Identifiers: Orphanet 726, MedGen C0205710, MONDO:0008758, OMIM 203700.

Allele frequency attached by ClinVar (database versions not stated): ExAC 0.00001.
gnomAD v4.1: 7 of 1,547,984 alleles (0.00045%); highest among the groups gnomAD compares: Non-Finnish European, 0.00044%; no homozygotes.

Submission:

Labcorp Genetics (formerly Invitae), Labcorp
Classification: Uncertain significance for Progressive sclerosing poliodystrophy. Last evaluated: 2024-10-29. Review status: criteria provided, single submitter. Criteria: Invitae Variant Classification Sherloc (09022015). Collection method: clinical testing. Allele origin: germline.
Comment: This sequence change replaces valine, which is neutral and non-polar, with leucine, which is neutral and non-polar, at codon 199 of the POLG protein (p.Val199Leu). The frequency data for this variant in the population databases is considered unreliable, as metrics indicate poor data quality at this position in the gnomAD database. This variant has not been reported in the literature in individuals affected with POLG-related conditions. ClinVar contains an entry for this variant (Variation ID: 2856894). Invitae Evidence Modeling of protein sequence and biophysical properties (such as structural, functional, and spatial information, amino acid conservation, physicochemical variation, residue mobility, and thermodynamic stability) indicates that this missense variant is expected to disrupt POLG protein function with a positive predictive value of 95%. In summary, the available evidence is currently insufficient to determine the role of this variant in disease. Therefore, it has been classified as a Variant of Uncertain Significance.